The following is an entry in ClinVar:

NM_002187.3(IL12B):c.283G>A (p.Glu95Lys)

Gene: IL12B (interleukin 12B; minus strand). Cytogenetic location: 5q33.3.
Variant type: single nucleotide variant.
Coding change: c.283G>A on transcript NM_002187.3 (MANE Select); coding-DNA position 283, G replaced by A.
Protein change: p.Glu95Lys; replaces glutamic acid 95 with lysine.
Molecular consequence: missense variant.
Genome position (GRCh38, 1-based): chr5:159,323,135, C>T on the plus strand (G>A on the coding strand, the complement: IL12B is on the minus strand). VCF-style: chr5-159323135-C-T. GRCh37 (hg19) VCF-style: chr5-158750143-C-T.
Other names: short protein forms E95K.
Identifiers: ClinVar variation 541814 (VCV000541814.20), dbSNP rs56287471, ClinGen allele CA3538855.

ClinVar aggregate classification (germline): Conflicting classifications of pathogenicity. Review status: criteria provided, conflicting classifications (1 of 4 stars). 5 submissions from 5 submitters: Uncertain significance (1); Likely benign (3). 1 of the submissions does not count toward it. Last evaluated 2026-01-14.

Conditions:
IL12B-related disorder. Also called: IL12B-related condition.
Mendelian susceptibility to mycobacterial diseases due to complete IL12B deficiency. Also called: IL12B DEFICIENCY; Immunodeficiency 29. Identifiers: Orphanet 319558, MedGen C4013948, MONDO:0013954, OMIM 614890.

Allele frequency attached by ClinVar (database versions not stated): gnomAD exomes 0.00018 and 0.00038; ExAC 0.00042; 1000 Genomes Project 0.00140; gnomAD 0.00142 and 0.00155; 1000 Genomes Project 30x 0.00156; TOPMed 0.00181; ESP Exome Variant Server 0.00200.
gnomAD v4.1: 500 of 1,614,144 alleles (0.031%); highest among the groups gnomAD compares: African/African-American, 0.58%; 3 homozygotes.

Submissions (5):

Labcorp Genetics (formerly Invitae), Labcorp
Classification: Likely benign for Mendelian susceptibility to mycobacterial diseases due to complete IL12B deficiency. Last evaluated: 2026-01-14. Review status: criteria provided, single submitter. Criteria: Invitae Variant Classification Sherloc (09022015). Collection method: clinical testing. Allele origin: germline.

Blueprint Genetics
Classification: Likely benign. Last evaluated: 2024-10-02. Review status: criteria provided, single submitter. Criteria: ACMG Guidelines, 2015. Collection method: clinical testing. Allele origin: germline.

Center for Genomics, Ann and Robert H. Lurie Children's Hospital of Chicago
Classification: Uncertain significance for Mendelian susceptibility to mycobacterial diseases due to complete IL12B deficiency. Last evaluated: 2021-03-30. Review status: criteria provided, single submitter. Criteria: ACMG Guidelines, 2015. Collection method: clinical testing. Allele origin: germline.
Comment: IL12B NM_002187.2 exon 3 p.Glu95Lys (c.283G>A): This variant has not been reported in the literature but is present in 0.5% (131/24968) of African alleles in the Genome Aggregation Database. This variant is present in ClinVar (Variation ID:541841). This variant amino acid Lysine (Lys) is present in >15 species including mammals and is not well conserved among evolutionarily distant species; this suggests that this variant may not impact the protein. Additional computational prediction tools do not suggest an impact. In summary, data on this variant is insufficient for disease classification. Therefore, the clinical significance of this variant is uncertain.

Illumina Laboratory Services, Illumina
Classification: Likely benign for Mendelian susceptibility to mycobacterial diseases due to complete IL12B deficiency. Last evaluated: 2017-04-28. Review status: criteria provided, single submitter. Criteria: ICSL Variant Classification Criteria 13 December 2019. Collection method: clinical testing. Allele origin: germline.
Comment: This variant was observed as part of a predisposition screen in an ostensibly healthy population. A literature search was performed for the gene, cDNA change, and amino acid change (where applicable). No publications were found based on this search. Allele frequency data from public databases allowed determination this variant is unlikely to cause disease. Therefore, this variant is classified as likely benign.

PreventionGenetics, part of Exact Sciences
Classification: Likely benign for IL12B-related condition. Last evaluated: 2019-11-18. Review status: no assertion criteria provided. Collection method: clinical testing. Allele origin: germline. Not counted in ClinVar's aggregate classification.
Comment: This variant is classified as likely benign based on ACMG/AMP sequence variant interpretation guidelines (Richards et al. 2015 PMID: 25741868, with internal and published modifications).